The following is an entry in ClinVar:

ClinVar aggregate classification (germline): Uncertain significance. Review status: criteria provided, multiple submitters, no conflicts (2 of 4 stars). 2 submissions from 2 submitters: Uncertain significance (2). Last evaluated 2025-10-06.

Allele frequency attached by ClinVar (database versions not stated): gnomAD 0.00001.
gnomAD v4.1: 1 of 1,612,482 alleles (0.000062%); highest among the groups gnomAD compares: African/African-American, 0.0013%; no homozygotes.

Submissions (2):

Women's Health and Genetics/Laboratory Corporation of America, LabCorp
Classification: Uncertain significance. Last evaluated: 2025-10-06. Review status: criteria provided, single submitter. Criteria: LabCorp Variant Classification Summary - May 2015. Collection method: clinical testing. Allele origin: germline.
Comment: Variant summary: TTN c.49802C>T (p.Ala16601Val) results in a non-conservative amino acid change in the encoded protein sequence. Algorithms developed to predict the effect of missense changes on protein structure and function are either unavailable or do not agree on the potential impact of this missense change. The variant allele was found at a frequency of 4e-06 in 247374 control chromosomes. The available data on variant occurrences in the general population are insufficient to allow any conclusion about variant significance. To our knowledge, no occurrence of c.49802C>T in individuals affected with TTN-related conditions and no experimental evidence demonstrating its impact on protein function have been reported. ClinVar contains an entry for this variant (Variation ID: 1807491). Based on the evidence outlined above, the variant was classified as uncertain significance.

Athena Diagnostics
Classification: Uncertain significance. Last evaluated: 2021-06-24. Review status: criteria provided, single submitter. Criteria: Athena Diagnostics Criteria. Collection method: clinical testing. Allele origin: unknown.

NM_001267550.2(TTN):c.57506C>T (p.Ala19169Val)

Genes: TTN (titin; minus strand), TTN-AS1 (TTN antisense RNA 1; plus strand). Cytogenetic location: 2q31.2.
Variant type: single nucleotide variant.
Coding change: c.57506C>T on transcript NM_001267550.2 (MANE Select); coding-DNA position 57506, C replaced by T.
Protein change: p.Ala19169Val; replaces alanine 19169 with valine.
Molecular consequence: missense variant.
Genome position (GRCh38, 1-based): chr2:178,597,576, G>A on the plus strand (C>T on the coding strand, the complement: TTN is on the minus strand). VCF-style: chr2-178597576-G-A. GRCh37 (hg19) VCF-style: chr2-179462303-G-A.
Other names: c.52583C>T, p.Ala17528Val (NM_001256850.1); c.30311C>T, p.Ala10104Val (NM_003319.4); c.49802C>T, p.Ala16601Val (NM_133378.4); c.30686C>T, p.Ala10229Val (NM_133432.3); c.30887C>T, p.Ala10296Val (NM_133437.4); short protein forms A10104V, A10229V, A10296V, A16601V, A17528V, A19169V.
Identifiers: ClinVar variation 1807491 (VCV001807491.2), dbSNP rs183460369, ClinGen allele CA349519876.